The following is an entry in ClinVar:

ClinVar aggregate classification (germline): Conflicting classifications of pathogenicity. Review status: criteria provided, conflicting classifications (1 of 4 stars). 5 submissions from 5 submitters: Uncertain significance (4); Likely benign (1). Last evaluated 2025-11-15.

Conditions:
Chromosome 2p16.3 deletion syndrome. Identifiers: MedGen C3808494, MONDO:0013696, OMIM 614332.
Pitt-Hopkins-like syndrome 2 (PTHSL2). Identifiers: Orphanet 221150, Orphanet 600663, MedGen C3280479, MONDO:0013690, OMIM 614325.
NRXN1-related disorder.

Allele frequency attached by ClinVar (database versions not stated): gnomAD 0.00006 and 0.00011; TOPMed 0.00008; 1000 Genomes Project 30x 0.00062; 1000 Genomes Project 0.00080.
gnomAD v4.1: 59 of 1,613,928 alleles (0.0037%); highest among the groups gnomAD compares: East Asian, 0.094%; no homozygotes.

Submissions (5):

Labcorp Genetics (formerly Invitae), Labcorp
Classification: Likely benign for Pitt-Hopkins-like syndrome 2. Last evaluated: 2025-11-15. Review status: criteria provided, single submitter. Criteria: Invitae Variant Classification Sherloc (09022015). Collection method: clinical testing. Allele origin: germline.

PreventionGenetics, part of Exact Sciences
Classification: Uncertain significance for NRXN1-related condition. Last evaluated: 2025-11-14. Review status: criteria provided, single submitter. Criteria: ACMG Guidelines, 2015. Collection method: clinical testing. Allele origin: germline.
Comment: The NRXN1 c.4131G>C variant is predicted to result in the amino acid substitution p.Glu1377Asp. This variant was reported in an individual with Schizophrenia (as p.Glu1307Asp, Table 1, Hu et al. 2020. PubMed ID: 33343614). This variant is reported in 0.23% of alleles in individuals of East Asian descent in gnomAD. Although we suspect that this variant may be benign, at this time, the clinical significance of this variant is uncertain due to the absence of conclusive functional and genetic evidence.

Fulgent Genetics
Classification: Uncertain significance for Pitt-Hopkins-like syndrome 2; Chromosome 2p16.3 deletion syndrome. Last evaluated: 2018-10-31. Review status: criteria provided, single submitter. Criteria: ACMG Guidelines, 2015. Collection method: clinical testing. Allele origin: unknown.

Eurofins Ntd Llc (ga)
Classification: Uncertain significance. Last evaluated: 2015-08-06. Review status: criteria provided, single submitter. Criteria: EGL Classification Definitions 2015. Collection method: clinical testing. Allele origin: germline. Observed: 2 variant alleles, 2 heterozygotes.

GeneDx
Classification: Uncertain significance. Last evaluated: 2014-10-06. Review status: criteria provided, single submitter. Criteria: GeneDx Variant Classification (06012015). Collection method: clinical testing. Allele origin: germline. Affected: yes.
Comment: The E1377D variant has not been published as a mutation, nor has it been reported as a benign polymorphism to our knowledge. It was not observed in approximately 6,500 individuals of European and African American ancestry in the NHLBI Exome Sequencing Project, indicating it is not a common benign variant in these populations. This substitution occurs at a position that is conserved through mammals. However, the E1377D variant is a conservative amino acid substitution, which is not likely to impact secondary protein structure as these residues share similar properties, and in silico analysis predicts this variant likely does not alter the protein structure/function. Therefore, based on the currently available information, it is unclear whether this variant is a pathogenic mutation or a rare benign variant. The variant is found in EPILEPSY panel(s).

NM_001330078.2(NRXN1):c.4011G>C (p.Glu1337Asp)

Gene: NRXN1 (neurexin 1; minus strand). Cytogenetic location: 2p16.3.
Variant type: single nucleotide variant.
Coding change: c.4011G>C on transcript NM_001330078.2 (MANE Select); coding-DNA position 4011, G replaced by C.
Protein change: p.Glu1337Asp; replaces glutamic acid 1337 with aspartic acid.
Molecular consequence: missense variant.
Genome position (GRCh38, 1-based): chr2:50,053,388, C>G on the plus strand (G>C on the coding strand, the complement: NRXN1 is on the minus strand). VCF-style: chr2-50053388-C-G. GRCh37 (hg19) VCF-style: chr2-50280526-C-G.
Other names: p.E1377D:GAG>GAC; c.4131G>C, p.Glu1377Asp (NM_001135659.3); c.3987G>C, p.Glu1329Asp (NM_001330077.2, NM_001330082.2); c.3855G>C, p.Glu1285Asp (NM_001330083.2); c.3945G>C, p.Glu1315Asp (NM_001330084.2); c.3984G>C, p.Glu1328Asp (NM_001330085.2); c.4011G>C, p.Glu1337Asp (NM_001330086.2); c.3810G>C, p.Glu1270Asp (NM_001330087.2, NM_001330096.2); and 8 more; short protein forms E1377D, E1315D, E1328D, E1329D, E1333D, E1307D, E1336D, E1270D.
Identifiers: ClinVar variation 206282 (VCV000206282.19), dbSNP rs200935246, ClinGen allele CA316208.